The following is an entry in ClinVar:

NM_001267550.2(TTN):c.107890C>T (p.Gln35964Ter)

Genes: TTN-AS1 (TTN antisense RNA 1; plus strand), TTN (titin; minus strand). Cytogenetic location: 2q31.2.
Variant type: single nucleotide variant.
Coding change: c.107890C>T on transcript NM_001267550.2 (MANE Select); coding-DNA position 107890, C replaced by T.
Protein change: p.Gln35964Ter; replaces glutamine 35964 with a stop codon.
Molecular consequence: nonsense.
Genome position (GRCh38, 1-based): chr2:178,527,098, G>A on the plus strand (C>T on the coding strand, the complement: TTN is on the minus strand). VCF-style: chr2-178527098-G-A. GRCh37 (hg19) VCF-style: chr2-179391825-G-A.
Other names: AJ277892.2:g.293379C>T; c.107890C>T (NM_001267550.1); c.102967C>T, p.Gln34323Ter (NM_001256850.1); c.80695C>T, p.Gln26899Ter (NM_003319.4); c.100186C>T, p.Gln33396Ter (NM_133378.4); c.81070C>T, p.Gln27024Ter (NM_133432.3); c.81271C>T, p.Gln27091Ter (NM_133437.4); short protein forms Q33396*, Q34323*, Q35964*, Q27024*, Q27091*, Q26899*.
Identifiers: ClinVar variation 38440 (VCV000038440.7), dbSNP rs281864929, ClinGen allele CA343092.

ClinVar aggregate classification (germline): Conflicting classifications of pathogenicity. Review status: criteria provided, conflicting classifications (1 of 4 stars). 3 submissions from 3 submitters: Pathogenic (1); Uncertain significance (1). 1 of the submissions does not count toward it. Last evaluated 2025-06-17.

Conditions:
Tibial muscular dystrophy (TMD). Also called: Tibial muscular dystrophy, tardive; UDD MYOPATHY; Udd Distal Myopathy – Tibial Muscular Dystrophy. Identifiers: Orphanet 609, MedGen C1838244, MONDO:0010870, OMIM 600334.

Submissions (3):

GeneDx
Classification: Pathogenic. Last evaluated: 2025-06-17. Review status: criteria provided, single submitter. Criteria: GeneDx Variant Classification Process June 2021. Collection method: clinical testing. Allele origin: germline. Affected: yes.
Comment: Observed in apparent homozygous state in an individual with clinical features consistent with LGMD2J. Heterozygous family members of this individual were described as having a TMD phenotype (PMID: 20571043, 18948003); Not observed at significant frequency in large population cohorts (gnomAD); Nonsense variant predicted to result in protein truncation in a gene for which loss of function is a known mechanism of disease; This variant is associated with the following publications: (PMID: 18948003, 32778822, 17444505, 36637017, 20571043)

Women's Health and Genetics/Laboratory Corporation of America, LabCorp
Classification: Uncertain significance. Last evaluated: 2025-01-15. Review status: criteria provided, single submitter. Criteria: LabCorp Variant Classification Summary - May 2015. Collection method: clinical testing. Allele origin: germline.
Comment: Variant summary: TTN c.100186C>T (p.Gln33396X) results in a premature termination codon, predicted to cause a truncation of the encoded protein, however nonsense mediated decay is not predicted. This variant has a maximum skeletal muscle PSI of 0.928 and a maximum cardiac muscle PSI of 1.00. The variant was absent in 249174 control chromosomes. c.100186C>T has been reported in the literature in a French family with an autosomal-dominant late onset distal myopathy of the tibial muscular dystrophy phenotype. One homozygous patient in the family was reported with a more severe phenotype (Hackman_2008, Penisson-Besnier_2010). However, genotyping in these studies did not sufficiently rule out other potential causes of skeletal myopathies and segregation of phenotype was not clear. These data indicate that the variant may be associated with disease (at this location, typically dominant tibial muscular dystrophy). To our knowledge, no experimental evidence demonstrating an impact on protein function has been reported. The following publications have been ascertained in the context of this evaluation (PMID: 18948003, 20571043, 19477645). ClinVar contains an entry for this variant (Variation ID: 38440). Based on the evidence outlined above, the variant was classified as VUS-possibly pathogenic.

GeneReviews
Classification: Pathogenic for Udd Distal Myopathy. Last evaluated: 2012-08-23. Review status: no assertion criteria provided. Collection method: curation. Allele origin: unknown. Not counted in ClinVar's aggregate classification.
ClinVar note: Converted during submission from pathologic to Pathogenic.

Literature cited by the submitters: PubMed 18948003 (cited by Women's Health and Genetics/Laboratory Corporation of America, LabCorp); PubMed 20571043 (cited by Women's Health and Genetics/Laboratory Corporation of America, LabCorp); PubMed 19477645 (cited by Women's Health and Genetics/Laboratory Corporation of America, LabCorp).